The following is an entry in ClinVar:

ClinVar aggregate classification (germline): Uncertain significance (1 of 4 stars; one submission).

Conditions:
Autosomal dominant nocturnal frontal lobe epilepsy 5. Also called: CILIARY DYSKINESIA, PRIMARY, 28, WITHOUT SITUS INVERSUS; CILIARY DYSKINESIA, PRIMARY, 28, WITH SITUS INVERSUS; KCNT1-Related Epilepsy; Epilepsy, nocturnal frontal lobe, 5. Identifiers: Orphanet 98784, MedGen C3554306, MONDO:0014002, OMIM 615005.
Developmental and epileptic encephalopathy, 14 (DEE14). Also called: Early infantile epileptic encephalopathy 14. Identifiers: Orphanet 293181, MedGen C3554195, MONDO:0013989, OMIM 614959.

Submission:

Labcorp Genetics (formerly Invitae), Labcorp
Classification: Uncertain significance for Autosomal dominant nocturnal frontal lobe epilepsy 5; Developmental and epileptic encephalopathy, 14. Last evaluated: 2025-04-14. Review status: criteria provided, single submitter. Criteria: Invitae Variant Classification Sherloc (09022015). Collection method: clinical testing. Allele origin: germline.
Comment: This sequence change replaces leucine, which is neutral and non-polar, with isoleucine, which is neutral and non-polar, at codon 352 of the KCNT1 protein (p.Leu352Ile). This variant is not present in population databases (gnomAD no frequency). This variant has not been reported in the literature in individuals affected with KCNT1-related conditions. Invitae Evidence Modeling of protein sequence and biophysical properties (such as structural, functional, and spatial information, amino acid conservation, physicochemical variation, residue mobility, and thermodynamic stability) indicates that this missense variant is not expected to disrupt KCNT1 protein function with a negative predictive value of 80%. In summary, the available evidence is currently insufficient to determine the role of this variant in disease. Therefore, it has been classified as a Variant of Uncertain Significance.

NM_020822.3(KCNT1):c.1054C>A (p.Leu352Ile)

Gene: KCNT1 (potassium sodium-activated channel subfamily T member 1; plus strand). Cytogenetic location: 9q34.3.
Variant type: single nucleotide variant.
Coding change: c.1054C>A on transcript NM_020822.3 (MANE Select); coding-DNA position 1054, C replaced by A.
Protein change: p.Leu352Ile; replaces leucine 352 with isoleucine.
Molecular consequence: missense variant.
Genome position (GRCh38, 1-based): chr9:135,765,049, C>A. VCF-style: chr9-135765049-C-A. GRCh37 (hg19) VCF-style: chr9-138656895-C-A.
Other names: c.919C>A, p.Leu307Ile (NM_001272003.2); short protein forms L352I, L307I.
Identifiers: ClinVar variation 4783284 (VCV004783284.1).